The following is an entry in ClinVar:

NM_001379286.1(ZNF423):c.2312_2329del (p.Ala771_His776del)

Gene: ZNF423 (zinc finger protein 423; minus strand). Cytogenetic location: 16q12.1.
Variant type: Deletion.
Coding change: c.2312_2329del on transcript NM_001379286.1 (MANE Select); coding-DNA positions 2312 to 2329, 18 bases deleted (CTGACCTGCAGGTGCACG).
Protein change: p.Ala771_His776del.
Molecular consequence: inframe deletion.
Genome position (GRCh38, 1-based): chr16:49,636,847-49,636,864, CGTGCACCTGCAGGTCAG deleted on the plus strand (CTGACCTGCAGGTGCACG on the coding strand, the reverse complement: ZNF423 is on the minus strand); deleting any 18 consecutive bases within chr16:49,636,847-49,636,865 gives the same sequence; the c. name uses the placement nearest the transcript's 3' end. VCF-style (leftmost placement, unchanged base first): chr16-49636846-ACGTGCACCTGCAGGTCAG-A. GRCh37 (hg19) VCF-style: chr16-49670757-ACGTGCACCTGCAGGTCAG-A.
Other names: c.1937_1954del, p.Ala646_His651del (NM_001330533.2); c.2288_2305del, p.Ala763_His768del (NM_015069.5); c.2108_2125del, p.Ala703_His708del (NM_001271620.2).
Identifiers: ClinVar variation 2805423 (VCV002805423.3), dbSNP rs756191611, ClinGen allele CA8046529.

ClinVar aggregate classification (germline): Uncertain significance (1 of 4 stars; one submission).

Conditions:
Nephronophthisis 14 (NPHP14). Identifiers: Orphanet 2318, MedGen C3539071, MONDO:0013916, OMIM 614844.

Submission:

Labcorp Genetics (formerly Invitae), Labcorp
Classification: Uncertain significance for Nephronophthisis 14. Last evaluated: 2024-01-18. Review status: criteria provided, single submitter. Criteria: Invitae Variant Classification Sherloc (09022015). Collection method: clinical testing. Allele origin: germline.
Comment: This variant, c.2288_2305del, results in the deletion of 6 amino acid(s) of the ZNF423 protein (p.Ala763_His768del), but otherwise preserves the integrity of the reading frame. This variant is present in population databases (rs756191611, gnomAD 0.0009%). This variant has not been reported in the literature in individuals affected with ZNF423-related conditions. Experimental studies and prediction algorithms are not available or were not evaluated, and the functional significance of this variant is currently unknown. In summary, the available evidence is currently insufficient to determine the role of this variant in disease. Therefore, it has been classified as a Variant of Uncertain Significance.